The following is an entry in ClinVar:

NM_001567.4(INPPL1):c.2823G>T (p.Thr941=)

Gene: INPPL1 (inositol polyphosphate phosphatase like 1; plus strand). Cytogenetic location: 11q13.4.
Variant type: single nucleotide variant.
Coding change: c.2823G>T on transcript NM_001567.4 (MANE Select); coding-DNA position 2823, G replaced by T.
Protein change: p.Thr941=; no amino-acid change (threonine 941 retained).
Molecular consequence: synonymous variant.
Genome position (GRCh38, 1-based): chr11:72,235,930, G>T. VCF-style: chr11-72235930-G-T. GRCh37 (hg19) VCF-style: chr11-71946974-G-T.
Identifiers: ClinVar variation 3388724 (VCV003388724.14).
Genomic context (GRCh38, chr11:72,235,930, plus strand): 5'-CACAGAGGCCTCCTGCCCGCTCTCCAGGTTATTTGAAGAACCAGAGAAACCGCCACCAAC[G>T]GGGAGGCCCCCAGCCCCACCCCGAGCAGCTCCCCGGGAGGAGCCCTTGACCCCCAGGTGA-3'
Protein context (NP_001558.3, residues 931-951): LFEEPEKPPP[Thr941=]GRPPAPPRAA

ClinVar aggregate classification (germline): Likely benign (1 of 4 stars; one submission).

gnomAD v4.1: 2 of 1,612,664 alleles (0.00012%); highest among the groups gnomAD compares: Non-Finnish European, 0.00017%; no homozygotes.

Submission:

CeGaT Center for Human Genetics Tuebingen
Classification: Likely benign. Last evaluated: 2024-09-01. Review status: criteria provided, single submitter. Criteria: CeGaT Center For Human Genetics Tuebingen Variant Classification Criteria Version 2. Collection method: clinical testing. Allele origin: germline. Affected: yes. Observed: 1 variant allele.
Comment: INPPL1: BP4, BP7